The following is an entry in ClinVar:

NM_024580.6(EFL1):c.2003A>T (p.Gln668Leu)

Gene: EFL1 (elongation factor like GTPase 1; minus strand). Cytogenetic location: 15q25.2.
Variant type: single nucleotide variant.
Coding change: c.2003A>T on transcript NM_024580.6 (MANE Select); coding-DNA position 2003, A replaced by T.
Protein change: p.Gln668Leu; replaces glutamine 668 with leucine.
Molecular consequence: missense variant. On other transcripts: non-coding transcript variant (1).
Genome position (GRCh38, 1-based): chr15:82,157,740, T>A on the plus strand (A>T on the coding strand, the complement: EFL1 is on the minus strand). VCF-style: chr15-82157740-T-A. GRCh37 (hg19) VCF-style: chr15-82450081-T-A.
Other names: c.1850A>T, p.Gln617Leu (NM_001040610.3); c.1214A>T, p.Gln405Leu (NM_001322844.2); c.2003A>T, p.Gln668Leu (NM_001322845.2); short protein forms Q405L, Q668L, Q617L.
Identifiers: ClinVar variation 2198255 (VCV002198255.4), dbSNP rs2505326586, ClinGen allele CA393273555.

ClinVar aggregate classification (germline): Uncertain significance (1 of 4 stars; one submission).

Submission:

Labcorp Genetics (formerly Invitae), Labcorp
Classification: Uncertain significance. Last evaluated: 2022-06-17. Review status: criteria provided, single submitter. Criteria: Invitae Variant Classification Sherloc (09022015). Collection method: clinical testing. Allele origin: germline.
Comment: In summary, the available evidence is currently insufficient to determine the role of this variant in disease. Therefore, it has been classified as a Variant of Uncertain Significance. Algorithms developed to predict the effect of missense changes on protein structure and function are either unavailable or do not agree on the potential impact of this missense change (SIFT: "Deleterious"; PolyPhen-2: "Probably Damaging"; Align-GVGD: "Class C15"). This variant has not been reported in the literature in individuals affected with EFL1-related conditions. This variant is not present in population databases (gnomAD no frequency). This sequence change replaces glutamine, which is neutral and polar, with leucine, which is neutral and non-polar, at codon 668 of the EFL1 protein (p.Gln668Leu).